The following is an entry in ClinVar:

ClinVar aggregate classification (germline): Uncertain significance (1 of 4 stars; one submission).

Conditions:
Developmental and epileptic encephalopathy, 27 (DEE27). Also called: Epileptic encephalopathy, early infantile, 27; GRIN2B-Related Neurodevelopmental Disorder. Identifiers: Orphanet 3451, MedGen C4015316, MONDO:0014505, OMIM 616139.
Intellectual developmental disorder, autosomal dominant 6, with or without seizures. Also called: Intellectual disability, autosomal dominant 6; GRIN2B-related developmental delay, intellectual disability and autism spectrum disorder. Identifiers: Orphanet 589547, MedGen C3151411, MONDO:0013509, OMIM 613970.

Submission:

Labcorp Genetics (formerly Invitae), Labcorp
Classification: Uncertain significance for Developmental and epileptic encephalopathy, 27; Intellectual developmental disorder, autosomal dominant 6, with or without seizures. Last evaluated: 2025-06-23. Review status: criteria provided, single submitter. Criteria: Invitae Variant Classification Sherloc (09022015). Collection method: clinical testing. Allele origin: germline.
Comment: This sequence change replaces glycine, which is neutral and non-polar, with arginine, which is basic and polar, at codon 23 of the GRIN2B protein (p.Gly23Arg). This variant is not present in population databases (gnomAD no frequency). This variant has not been reported in the literature in individuals affected with GRIN2B-related conditions. Invitae Evidence Modeling of protein sequence and biophysical properties (such as structural, functional, and spatial information, amino acid conservation, physicochemical variation, residue mobility, and thermodynamic stability) indicates that this missense variant is not expected to disrupt GRIN2B protein function with a negative predictive value of 95%. In summary, the available evidence is currently insufficient to determine the role of this variant in disease. Therefore, it has been classified as a Variant of Uncertain Significance.

NM_000834.5(GRIN2B):c.67G>C (p.Gly23Arg)

Gene: GRIN2B (glutamate ionotropic receptor NMDA type subunit 2B; minus strand). Cytogenetic location: 12p13.1.
Variant type: single nucleotide variant.
Coding change: c.67G>C on transcript NM_000834.5 (MANE Select); coding-DNA position 67, G replaced by C.
Protein change: p.Gly23Arg; replaces glycine 23 with arginine.
Molecular consequence: missense variant.
Genome position (GRCh38, 1-based): chr12:13,866,142, C>G on the plus strand (G>C on the coding strand, the complement: GRIN2B is on the minus strand). VCF-style: chr12-13866142-C-G. GRCh37 (hg19) VCF-style: chr12-14019076-C-G.
Other names: c.67G>C, p.Gly23Arg (NM_001413993.1, NM_001413994.1, NM_001413995.1 and 1 more transcripts); short protein forms G23R.
Identifiers: ClinVar variation 4793154 (VCV004793154.1).